The following is an entry in ClinVar:

ClinVar aggregate classification (germline): Uncertain significance (1 of 4 stars; one submission).

gnomAD v4.1: 4 of 1,612,662 alleles (0.00025%); highest among the groups gnomAD compares: Non-Finnish European, 0.00034%; no homozygotes.

Submission:

Labcorp Genetics (formerly Invitae), Labcorp
Classification: Uncertain significance. Last evaluated: 2025-01-29. Review status: criteria provided, single submitter. Criteria: Invitae Variant Classification Sherloc (09022015). Collection method: clinical testing. Allele origin: germline.
Comment: This sequence change replaces glutamine, which is neutral and polar, with arginine, which is basic and polar, at codon 382 of the MAPKAPK3 protein (p.Gln382Arg). This variant is not present in population databases (gnomAD no frequency). This variant has not been reported in the literature in individuals affected with MAPKAPK3-related conditions. An algorithm developed to predict the effect of missense changes on protein structure and function (PolyPhen-2) suggests that this variant is likely to be disruptive. Algorithms developed to predict the effect of sequence changes on RNA splicing suggest that this variant may create or strengthen a splice site. In summary, the available evidence is currently insufficient to determine the role of this variant in disease. Therefore, it has been classified as a Variant of Uncertain Significance.

NM_001243925.2(MAPKAPK3):c.1145A>G (p.Gln382Arg)

Gene: MAPKAPK3 (MAPK activated protein kinase 3; plus strand). Cytogenetic location: 3p21.2.
Variant type: single nucleotide variant.
Coding change: c.1145A>G on transcript NM_001243925.2 (MANE Select); coding-DNA position 1145, A replaced by G.
Protein change: p.Gln382Arg; replaces glutamine 382 with arginine.
Molecular consequence: missense variant.
Genome position (GRCh38, 1-based): chr3:50,648,042, A>G. VCF-style: chr3-50648042-A-G. GRCh37 (hg19) VCF-style: chr3-50685473-A-G.
Other names: c.1145A>G, p.Gln382Arg (NM_001243926.2, NM_004635.5); short protein forms Q382R.
Identifiers: ClinVar variation 3654490 (VCV003654490.2).